The following is an entry in ClinVar:

ClinVar aggregate classification (germline): Uncertain significance (1 of 4 stars; one submission).

Conditions:
Inborn genetic diseases. Identifiers: MedGen C0950123, MeSH D030342.

Allele frequency attached by ClinVar (database versions not stated): gnomAD 0.00001.
gnomAD v4.1: 6 of 1,607,522 alleles (0.00037%); highest among the groups gnomAD compares: Non-Finnish European, 0.00051%; no homozygotes.

Submission:

Ambry Genetics
Classification: Uncertain significance for Inborn genetic diseases. Last evaluated: 2025-11-13. Review status: criteria provided, single submitter. Criteria: Ambry Variant Classification Scheme 2023. Collection method: clinical testing. Allele origin: germline.
Comment: The c.2297C>T (p.A766V) alteration is located in exon 14 (coding exon 13) of the SPTBN2 gene. This alteration results from a C to T substitution at nucleotide position 2297, causing the alanine (A) at amino acid position 766 to be replaced by a valine (V). Based on data from gnomAD, the T allele has an overall frequency of <0.001% (1/245040) total alleles studied. The highest observed frequency was 0.001% (1/112400) of European (non-Finnish) alleles. Based on insufficient or conflicting evidence, the clinical significance of this alteration remains unclear.

NM_006946.4(SPTBN2):c.2297C>T (p.Ala766Val)

Gene: SPTBN2 (spectrin beta, non-erythrocytic 2; minus strand). Cytogenetic location: 11q13.2.
Variant type: single nucleotide variant.
Coding change: c.2297C>T on transcript NM_006946.4 (MANE Select); coding-DNA position 2297, C replaced by T.
Protein change: p.Ala766Val; replaces alanine 766 with valine.
Molecular consequence: missense variant.
Genome position (GRCh38, 1-based): chr11:66,704,979, G>A on the plus strand (C>T on the coding strand, the complement: SPTBN2 is on the minus strand). VCF-style: chr11-66704979-G-A. GRCh37 (hg19) VCF-style: chr11-66472450-G-A.
Other names: c.2318C>T, p.Ala773Val (NM_001411025.1); short protein forms A773V, A766V.
Identifiers: ClinVar variation 2484442 (VCV002484442.3), dbSNP rs1161847185, ClinGen allele CA381478049.